The following continues an entry in ClinVar:

NM_001349338.3(FOXP1):c.1541G>A (p.Arg514His)

Gene: FOXP1. ClinVar aggregate classification (germline): Pathogenic/Likely pathogenic. Pathogenic (13); Likely pathogenic (3).

Submissions 11 to 18 of 18:

Genetics Laboratory, UDIAT-Centre Diagnòstic, Hospital Universitari Parc Tauli
Classification: Pathogenic. Last evaluated: 2021-04-26. Review status: criteria provided, single submitter. Criteria: Parc Tauli Hospital Assertion Criteria 2021. Collection method: clinical testing. Allele origin: unknown. Inheritance: Autosomal dominant inheritance. Affected: yes. Observed: 1 heterozygote.
Comment: PP5_very strong;PM1_moderate;PM2_supporting;PM5_moderate;PP2_supporting;PP3_supporting

Institute of Medical Genetics and Applied Genomics, University Hospital Tübingen
Classification: Pathogenic. Last evaluated: 2020-10-23. Review status: criteria provided, single submitter. Criteria: ACMG Guidelines, 2015. Collection method: clinical testing. Allele origin: germline. Inheritance: Unknown mechanism. Affected: yes.

Diagnostic Laboratory, Strasbourg University Hospital
Classification: Likely pathogenic for Intellectual disability. Last evaluated: 2020-09-10. Review status: criteria provided, single submitter. Criteria: ACMG Guidelines, 2015. Collection method: clinical testing. Allele origin: de novo. Affected: yes. Observed: 3 heterozygotes.

CeGaT Center for Human Genetics Tuebingen
Classification: Pathogenic. Last evaluated: 2019-02-01. Review status: criteria provided, single submitter. Criteria: CeGaT Center For Human Genetics Tuebingen Variant Classification Criteria Version 2. Collection method: clinical testing. Allele origin: germline. Affected: yes. Observed: 1 variant allele.

Fulgent Genetics
Classification: Likely pathogenic for Intellectual disability-severe speech delay-mild dysmorphism syndrome. Last evaluated: 2018-10-31. Review status: criteria provided, single submitter. Criteria: ACMG Guidelines, 2015. Collection method: clinical testing. Allele origin: unknown.

Genetic Services Laboratory, University of Chicago
Classification: Pathogenic for Mental retardation with language impairment and with or without autistic features. Last evaluated: 2016-04-25. Review status: criteria provided, single submitter. Criteria: ACMG Guidelines, 2015. Collection method: clinical testing. Allele origin: germline. Affected: yes.

Language and Genetics Department, Max Planck Institute for Psycholinguistics
Classification: Pathogenic for Intellectual disability-severe speech delay-mild dysmorphism syndrome. Review status: no assertion criteria provided. Collection method: clinical testing, in vitro. Allele origin: de novo, not applicable. Inheritance: Autosomal dominant inheritance. Affected: yes. Observed: 3 variant alleles, 3 heterozygotes. Not counted in ClinVar's aggregate classification.
Comment: This record (SCV000493911) is based on data published in PubMed 28741757, which incorrectly cites the ClinVar accession SCV000494541.

Genomic Medicine Center of Excellence, King Faisal Specialist Hospital and Research Centre
Classification: Uncertain significance for Intellectual disability-severe speech delay-mild dysmorphism syndrome. Last evaluated: 2024-04-04. Review status: flagged submission. Criteria: ACMG Guidelines, 2015. Collection method: clinical testing. Allele origin: germline. Not counted in ClinVar's aggregate classification.
ClinVar note: Reason: Outlier claim with insufficient supporting evidence

Literature cited by the submitters: PubMed 26647308 (cited by 3billion); PubMed 26633542 (cited by 3billion and Labcorp Genetics (formerly Invitae), Labcorp); PubMed 28741757 (cited by 4 submitters); PubMed 34109629 (cited by Victorian Clinical Genetics Services, Murdoch Childrens Research Institute and Ambry Genetics); PubMed 28714951 (cited by Labcorp Genetics (formerly Invitae), Labcorp); PubMed 31618753 (cited by Labcorp Genetics (formerly Invitae), Labcorp); PubMed 34588003 (cited by Ambry Genetics); PubMed 38891897 (cited by Ambry Genetics).